The following is an entry in ClinVar:

NM_004260.4(RECQL4):c.1009del (p.Ala337fs)

Gene: RECQL4 (RecQ like helicase 4; minus strand). Cytogenetic location: 8q24.3.
Variant type: Deletion.
Coding change: c.1009del on transcript NM_004260.4 (MANE Select); coding-DNA position 1009, one base deleted (G; older notation c.1009delG).
Protein change: p.Ala337fs; shifts the reading frame from alanine 337.
Molecular consequence: frameshift variant. On other transcripts: 5 prime UTR variant (16), non-coding transcript variant (3), intron variant (3).
Genome position (GRCh38, 1-based): chr8:144,516,110, C deleted on the plus strand (G on the coding strand, the reverse complement: RECQL4 is on the minus strand). VCF-style (leftmost placement, unchanged base first): chr8-144516109-GC-G. GRCh37 (hg19) VCF-style: chr8-145741493-GC-G.
Other names: c.1009del, p.Ala337fs (NM_001413018.1, NM_001413019.1, NM_001413033.1 and 2 more transcripts); c.-63del (NM_001413021.1, NM_001413022.1, NM_001413023.1 and 7 more transcripts); c.880del, p.Ala294fs (NM_001413025.1); c.-125del (NM_001413027.1, NM_001413030.1, NM_001413031.1 and 2 more transcripts); c.658del, p.Ala220fs (NM_001413029.1); c.-332del (NM_001413043.1); c.954-41del (NM_001413017.1, NM_001413020.1); c.-22-41del (NM_001413034.1); short protein forms A294fs, A220fs, A337fs.
Identifiers: ClinVar variation 2773121 (VCV002773121.3), dbSNP rs2538082852, ClinGen allele CA2697550241.
Genomic context (GRCh38, chr8:144,516,109, plus strand): 5'-TTGAGCCGTACGTAATTGCCCCTGTCATGGCGGGCCAGCCGAGGGAAGATGTGCAGGGGG[GC>G]TGTGCCCTCAGCCTTCCCAGCCCTAGCTTGACTGGAGGGGCTGAGTCCGTGGTACCTGGG-3'

ClinVar aggregate classification (germline): Pathogenic (1 of 4 stars; one submission).

Conditions:
Baller-Gerold syndrome (BGS). Also called: CRANIOSYNOSTOSIS WITH RADIAL DEFECTS. Identifiers: Orphanet 1225, MedGen C0265308, MONDO:0009039, OMIM 218600.

Submission:

Labcorp Genetics (formerly Invitae), Labcorp
Classification: Pathogenic for Baller-Gerold syndrome. Last evaluated: 2023-11-01. Review status: criteria provided, single submitter. Criteria: Invitae Variant Classification Sherloc (09022015). Collection method: clinical testing. Allele origin: germline.
Comment: This sequence change creates a premature translational stop signal (p.Ala337Profs*22) in the RECQL4 gene. It is expected to result in an absent or disrupted protein product. Loss-of-function variants in RECQL4 are known to be pathogenic (PMID: 12734318, 12952869). This variant is not present in population databases (gnomAD no frequency). This variant has not been reported in the literature in individuals affected with RECQL4-related conditions. Algorithms developed to predict the effect of sequence changes on RNA splicing suggest that this variant may create or strengthen a splice site. For these reasons, this variant has been classified as Pathogenic.

Literature cited by the submitters: PubMed 12734318; PubMed 12952869.